The following is an entry in ClinVar:

ClinVar aggregate classification (germline): Pathogenic. Review status: criteria provided, multiple submitters, no conflicts (2 of 4 stars). 3 submissions from 3 submitters: Pathogenic (2). 1 of the submissions does not count toward it. Last evaluated 2024-09-22.

Conditions:
Anterior segment dysgenesis. Also called: Ocular anterior segment dysgenesis. Identifiers: Orphanet 88632, MedGen C1862839, MONDO:0019503, HP:0007700.
Anterior segment dysgenesis 7 (ASGD7). Also called: Anterior segment dysgenesis 7, with sclerocornea; SCLEROCORNEA WITH OTHER OCULAR ANOMALIES. Identifiers: Orphanet 289499, MedGen C3151617, MONDO:0010015, OMIM 269400.

Allele frequency attached by ClinVar (database versions not stated): gnomAD exomes below 0.00001 and 0.00001; gnomAD 0.00001; TOPMed 0.00002.

Submissions (3):

Genomic Medicine Center of Excellence, King Faisal Specialist Hospital and Research Centre
Classification: Pathogenic for Anterior segment dysgenesis 7. Last evaluated: 2024-09-22. Review status: criteria provided, single submitter. Criteria: ACMG Guidelines, 2015. Collection method: clinical testing. Allele origin: germline.

GeneDx
Classification: Pathogenic. Last evaluated: 2022-12-09. Review status: criteria provided, single submitter. Criteria: GeneDx Variant Classification Process June 2021. Collection method: clinical testing. Allele origin: germline. Affected: yes.
Comment: Frameshift variant predicted to result in protein truncation or nonsense mediated decay in a gene for which loss of function is a known mechanism of disease; Not observed at significant frequency in large population cohorts (gnomAD); This variant is associated with the following publications: (PMID: 32015378, 32242007, 32499604, 29450879)

Eye Genetics Research Group, Children's Medical Research Institute
Classification: Pathogenic for Anterior segment dysgenesis. Last evaluated: 2020-03-31. Review status: no assertion criteria provided. Collection method: clinical testing. Allele origin: biparental. Affected: yes. Not counted in ClinVar's aggregate classification.

Literature cited by the submitters: PubMed 32499604 (cited by Eye Genetics Research Group, Children's Medical Research Institute).

NM_012293.3(PXDN):c.4085_4086del (p.Gln1362fs)

Gene: PXDN (peroxidasin; minus strand). Cytogenetic location: 2p25.3.
Variant type: Deletion.
Coding change: c.4085_4086del on transcript NM_012293.3 (MANE Select); coding-DNA positions 4085 to 4086, 2 bases deleted (AG; older notation c.4085_4086delAG).
Protein change: p.Gln1362fs; shifts the reading frame from glutamine 1362.
Molecular consequence: frameshift variant.
Genome position (GRCh38, 1-based): chr2:1,638,966-1,638,967, CT deleted on the plus strand (AG on the coding strand, the reverse complement: PXDN is on the minus strand). VCF-style (leftmost placement, unchanged base first): chr2-1638965-CCT-C. GRCh37 (hg19) VCF-style: chr2-1642737-CCT-C.
Other names: c.4085_4086del (NM_012293.1); short protein forms Q1362fs.
Identifiers: ClinVar variation 932291 (VCV000932291.3), dbSNP rs967959245, ClinGen allele CA41390487.
Genomic context (GRCh38, chr2:1,638,965, plus strand): 5'-TTGTCCCAGATGCATCTGAGCGTGTGCTGAAGGCTGAGGTGCTGTTGCTGAGATGTTCCC[CCT>C]GTCTCCCAACACTGTGGTGAGGGGAAAGGAGGAGGAGGGAAATATAACCTTGGCAGGTCA-3'